The following is an entry in ClinVar:

NM_001164508.2(NEB):c.20995A>T (p.Lys6999Ter)

Gene: NEB (nebulin; minus strand). Cytogenetic location: 2q23.3.
Variant type: single nucleotide variant.
Coding change: c.20995A>T on transcript NM_001164508.2 (MANE Select); coding-DNA position 20995, A replaced by T.
Protein change: p.Lys6999Ter; replaces lysine 6999 with a stop codon.
Molecular consequence: nonsense.
Genome position (GRCh38, 1-based): chr2:151,538,142, T>A on the plus strand (A>T on the coding strand, the complement: NEB is on the minus strand). VCF-style: chr2-151538142-T-A. GRCh37 (hg19) VCF-style: chr2-152394656-T-A.
Other names: NM_001164508.2(NEB):c.20995A>T; p.Lys6999Ter; c.20995A>T (NM_001271208.1); c.20995A>T, p.Lys6999Ter (NM_001164507.2, NM_001271208.2); c.15892A>T, p.Lys5298Ter (NM_004543.5); short protein forms K5298*, K6999*.
Identifiers: ClinVar variation 1075153 (VCV001075153.10), dbSNP rs2153553617, ClinGen allele CA348776220.
Genomic context (GRCh38, chr2:151,538,142, plus strand): 5'-GTATATGTATATGGTGAGTTGTAGAGCCCAACACAAGTAGAAATATTTAGGGACATACTT[T>A]ACTGATGTCATCTGTGACTTTGCGATGATAGACAATGTCTAGGGCATCTTTCACCGTGTG-3'

ClinVar aggregate classification (germline): Pathogenic/Likely pathogenic. Review status: criteria provided, multiple submitters, no conflicts (2 of 4 stars). 3 submissions from 3 submitters: Pathogenic (1); Likely pathogenic (2). Last evaluated 2025-03-23.

Conditions:
Nemaline myopathy. Also called: Myopathies, Nemaline. Identifiers: Orphanet 607, MedGen C0206157, MONDO:0018958.
Nemaline myopathy 2 (NEM2). Also called: Nemaline myopathy 2, autosomal recessive. Identifiers: MedGen C1850569, MONDO:0009725, OMIM 256030.

gnomAD v4.1: 1 of 1,601,136 alleles (0.000062%); highest among the groups gnomAD compares: Non-Finnish European, 0.000086%; no homozygotes.

Submissions (3):

Natera, Inc.
Classification: Likely pathogenic for Nemaline myopathy type 2. Last evaluated: 2025-03-23. Review status: criteria provided, single submitter. Criteria: Natera Variant Classification Schema (03/2026). Collection method: clinical testing. Allele origin: germline.
Comment: The c.20995A>T variant in NEB is a nonsense variant predicted to introduce a stop codon at amino acid 6999. This variant is expected to result in nonsense mediated decay, truncation, or a dysfunctional protein product. This variant is rare in the general population with a frequency below the threshold expected for the associated phenotype(s). Given the available evidence, this variant is classified as Likely Pathogenic.

Broad Center for Mendelian Genomics, Broad Institute of MIT and Harvard
Classification: Likely pathogenic for Nemaline myopathy. Last evaluated: 2025-03-04. Review status: criteria provided, single submitter. Criteria: ACMG Guidelines, 2015. Collection method: curation. Allele origin: germline. Inheritance: Autosomal recessive inheritance.
Comment: The p.Lys6999Ter variant in NEB has not been previously reported in the literature in individuals with nemaline myopathy, but has been identified in 0.00009% (1/1168710) of European (non-Finnish) chromosomes by the Genome Aggregation Database (gnomAD; dbSNP ID: rs2153553617). Although this variant has been seen in the general population in a heterozygous state, its frequency is low enough to be consistent with a recessive carrier frequency. This variant has also been reported in ClinVar (Variation ID: 1075153 ) and has been interpreted as pathogenic by Invitae. This nonsense variant leads to a premature termination codon at position 6999, which is predicted to lead to a truncated or absent protein. Loss of function of the NEB gene is an established disease mechanism in autosomal recessive nemaline myopathy. In summary, although additional studies are required to fully establish its clinical significance, this variant is likely pathogenic for autosomal recessive nemaline myopathy. ACMG/AMP Criteria applied: PVS1, PM2_supporting (Richards 2015).

Labcorp Genetics (formerly Invitae), Labcorp
Classification: Pathogenic for Nemaline myopathy 2. Last evaluated: 2022-01-11. Review status: criteria provided, single submitter. Criteria: Invitae Variant Classification Sherloc (09022015). Collection method: clinical testing. Allele origin: germline.
Comment: For these reasons, this variant has been classified as Pathogenic. ClinVar contains an entry for this variant (Variation ID: 1075153). This variant has not been reported in the literature in individuals affected with NEB-related conditions. This variant is not present in population databases (gnomAD no frequency). This sequence change creates a premature translational stop signal (p.Lys6999*) in the NEB gene. It is expected to result in an absent or disrupted protein product. Loss-of-function variants in NEB are known to be pathogenic (PMID: 25205138).

Literature cited by the submitters: PubMed 25205138 (cited by Labcorp Genetics (formerly Invitae), Labcorp).